The following is an entry in ClinVar:

ClinVar aggregate classification (germline): Likely benign (1 of 4 stars; one submission).

Conditions:
Preimplantation embryonic lethality 1 (OZEMA15). Also called: OOCYTE/ZYGOTE/EMBRYO MATURATION ARREST 15. Identifiers: MedGen C4225197, OMIM 616814, MONDO:0014783.

gnomAD v4.1: 3 of 1,491,832 alleles (0.0002%); highest among the groups gnomAD compares: Non-Finnish European, 0.00027%; no homozygotes.

Submission:

Department of Molecular Genetics, Istishari Arab Hospital
Classification: Likely benign for Preimplantation embryonic lethality 1. Last evaluated: 2026-07-05. Review status: criteria provided, single submitter. Criteria: ACMG Guidelines, 2015. Collection method: clinical testing. Allele origin: germline. Inheritance: Autosomal recessive inheritance. Affected: yes.
Comment: The TLE6 variant c.52-46G>A is predicted to potentially affect the acceptor splice site and produce an abnormal transcript. This variant is not observed in the gnomAD v4.1.0 dataset and has not been previously described in the literature.RNA studies (cDNA sequencing) by our lab demonstrated that this variant has no effect on normal splicing. It is classified as likely benign according to the recommendations of ACMG/AMP/ClinGen SVI guidelines.

NM_001143986.2(TLE6):c.52-46G>A

Gene: TLE6 (TLE family member 6, subcortical maternal complex member; plus strand). Cytogenetic location: 19p13.3.
Variant type: single nucleotide variant.
Coding change: c.52-46G>A on transcript NM_001143986.2 (MANE Select); 46 bases into the intron before coding-DNA position 52, G replaced by A.
Molecular consequence: intron variant.
Genome position (GRCh38, 1-based): chr19:2,980,054, G>A. VCF-style: chr19-2980054-G-A. GRCh37 (hg19) VCF-style: chr19-2980052-G-A.
Other names: c.-318-46G>A (NM_024760.3).
Identifiers: ClinVar variation 4823912 (VCV004823912.2).
Genomic context (GRCh38, chr19:2,980,054, plus strand): 5'-TTACTTTTGCACCAACCTAATGCCTATGCCATGTTGAGGTGGAGACCGGGGGTCTTGGGT[G>A]TTGGAGCATTGTAAGTTTTATGTAACCTTGCTTTGACCTTTCCAGCCTTGTCCTGGGATC-3'